The following is an entry in ClinVar:

ClinVar aggregate classification (germline): Uncertain significance (1 of 4 stars; one submission).

Conditions:
Progressive myoclonic epilepsy type 9. Identifiers: Orphanet 457265, MedGen C4225289, MONDO:0014685, OMIM 616540.
Lipodystrophy, partial, acquired, susceptibility to (APLD). Also called: APLD, SUSCEPTIBILITY TO. Identifiers: MedGen C3887501, MONDO:0100476, OMIM 608709.

Allele frequency attached by ClinVar (database versions not stated): ExAC 0.00001.
gnomAD v4.1: 2 of 1,612,972 alleles (0.00012%); highest among the groups gnomAD compares: Non-Finnish European, 0.00017%; no homozygotes.

Submission:

Labcorp Genetics (formerly Invitae), Labcorp
Classification: Uncertain significance for Progressive myoclonic epilepsy type 9; Lipodystrophy, partial, acquired, susceptibility to. Last evaluated: 2023-01-15. Review status: criteria provided, single submitter. Criteria: Invitae Variant Classification Sherloc (09022015). Collection method: clinical testing. Allele origin: germline.
Comment: In summary, the available evidence is currently insufficient to determine the role of this variant in disease. Therefore, it has been classified as a Variant of Uncertain Significance. Algorithms developed to predict the effect of sequence changes on RNA splicing suggest that this variant may create or strengthen a splice site. Advanced modeling of protein sequence and biophysical properties (such as structural, functional, and spatial information, amino acid conservation, physicochemical variation, residue mobility, and thermodynamic stability) performed at Invitae indicates that this missense variant is not expected to disrupt LMNB2 protein function. This variant has not been reported in the literature in individuals affected with LMNB2-related conditions. This variant is present in population databases (rs750695177, gnomAD 0.0009%). This sequence change replaces isoleucine, which is neutral and non-polar, with valine, which is neutral and non-polar, at codon 522 of the LMNB2 protein (p.Ile522Val).

NM_032737.4(LMNB2):c.1564A>G (p.Ile522Val)

Gene: LMNB2 (lamin B2; minus strand). Cytogenetic location: 19p13.3.
Variant type: single nucleotide variant.
Coding change: c.1564A>G on transcript NM_032737.4 (MANE Select); coding-DNA position 1564, A replaced by G.
Protein change: p.Ile522Val; replaces isoleucine 522 with valine.
Molecular consequence: missense variant.
Genome position (GRCh38, 1-based): chr19:2,432,442, T>C on the plus strand (A>G on the coding strand, the complement: LMNB2 is on the minus strand). VCF-style: chr19-2432442-T-C. GRCh37 (hg19) VCF-style: chr19-2432440-T-C.
Other names: short protein forms I522V.
Identifiers: ClinVar variation 2943246 (VCV002943246.3), dbSNP rs750695177, ClinGen allele CA9067441.